The following is an entry in ClinVar:

NM_006415.4(SPTLC1):c.212C>T (p.Pro71Leu)

Gene: SPTLC1 (serine palmitoyltransferase long chain base subunit 1; minus strand). Cytogenetic location: 9q22.31.
Variant type: single nucleotide variant.
Coding change: c.212C>T on transcript NM_006415.4 (MANE Select); coding-DNA position 212, C replaced by T.
Protein change: p.Pro71Leu; replaces proline 71 with leucine.
Molecular consequence: missense variant. On other transcripts: 5 prime UTR variant (2).
Genome position (GRCh38, 1-based): chr9:92,108,788, G>A on the plus strand (C>T on the coding strand, the complement: SPTLC1 is on the minus strand). VCF-style: chr9-92108788-G-A. GRCh37 (hg19) VCF-style: chr9-94871070-G-A.
Other names: c.212C>T, p.Pro71Leu (NM_001281303.2, NM_178324.3); c.-288C>T (NM_001368272.1); c.-254C>T (NM_001368273.1); short protein forms P71L.
Identifiers: ClinVar variation 1956783 (VCV001956783.5), dbSNP rs756425729, ClinGen allele CA5121646.
Genomic context (GRCh38, chr9:92,108,788, plus strand): 5'-AAATCAATTTACCCTGAAACGATGTTGTAGTTGAGAGCAGGATGGTCTTTTGGGACAGGA[G>A]GAACAAGAGGTTCTGGTTGCCACTCTTCAATCAGTTCTTCTTTTTCCTACAGGAGAAAAA-3'
Protein context (NP_006406.1, residues 61-81): IEEWQPEPLV[Pro71Leu]PVPKDHPALN

ClinVar aggregate classification (germline): Uncertain significance (1 of 4 stars; one submission).

Conditions:
Hereditary sensory and autonomic neuropathy type 1 (HSAN1). Also called: HSAN 1; HSN Type I; Hereditary Sensory Neuropathy Type I. Identifiers: Orphanet 36386, MedGen C0020071, MONDO:0018213.

Allele frequency attached by ClinVar (database versions not stated): gnomAD exomes 0.00001; ExAC 0.00002.
gnomAD v4.1: 4 of 1,605,470 alleles (0.00025%); highest among the groups gnomAD compares: East Asian, 0.0067%; no homozygotes.

Submission:

Labcorp Genetics (formerly Invitae), Labcorp
Classification: Uncertain significance for Hereditary sensory and autonomic neuropathy type 1. Last evaluated: 2022-05-07. Review status: criteria provided, single submitter. Criteria: Invitae Variant Classification Sherloc (09022015). Collection method: clinical testing. Allele origin: germline.
Comment: This variant has not been reported in the literature in individuals affected with SPTLC1-related conditions. This sequence change replaces proline, which is neutral and non-polar, with leucine, which is neutral and non-polar, at codon 71 of the SPTLC1 protein (p.Pro71Leu). This variant is present in population databases (rs756425729, gnomAD 0.01%). Algorithms developed to predict the effect of missense changes on protein structure and function (SIFT, PolyPhen-2, Align-GVGD) all suggest that this variant is likely to be tolerated. In summary, the available evidence is currently insufficient to determine the role of this variant in disease. Therefore, it has been classified as a Variant of Uncertain Significance.